The following is an entry in ClinVar:

ClinVar aggregate classification (germline): Pathogenic. Review status: criteria provided, multiple submitters, no conflicts (2 of 4 stars). 3 submissions from 3 submitters: Pathogenic (2). 1 of the submissions does not count toward it. Last evaluated 2025-03-14.

Conditions:
Propionic acidemia (PROP). Also called: GLYCINEMIA, KETOTIC; HYPERGLYCINEMIA WITH KETOACIDOSIS AND LEUKOPENIA; KETOTIC HYPERGLYCINEMIA. Identifiers: Orphanet 35, MedGen C0268579, MONDO:0011628, OMIM 606054, HP:0003571.

Submissions (3):

Natera, Inc.
Classification: Pathogenic for Propionic acidemia. Last evaluated: 2025-03-14. Review status: criteria provided, single submitter. Criteria: Natera Variant Classification Schema (03/2026). Collection method: clinical testing. Allele origin: germline.
Comment: The c.1260dup variant in PCCB is a frameshift variant predicted to shift the reading frame and introduce a stop codon. This variant is expected to result in nonsense mediated decay, truncation, or a dysfunctional protein product. This variant is rare in the general population with a frequency below the threshold expected for the associated phenotype(s). This variant has been observed in one or more individuals affected with the associated recessive disease, as either homozygous or compound heterozygous with a second variant (PMID: 27243974). Given the available evidence, this variant is classified as Pathogenic.

Labcorp Genetics (formerly Invitae), Labcorp
Classification: Pathogenic for Propionic acidemia. Last evaluated: 2022-05-31. Review status: criteria provided, single submitter. Criteria: Invitae Variant Classification Sherloc (09022015). Collection method: clinical testing. Allele origin: germline.
Comment: This sequence change creates a premature translational stop signal (p.Glu421*) in the PCCB gene. It is expected to result in an absent or disrupted protein product. Loss-of-function variants in PCCB are known to be pathogenic (PMID: 15464417). This variant is not present in population databases (gnomAD no frequency). This premature translational stop signal has been observed in individual(s) with propionic acidemia (PMID: 27243974). ClinVar contains an entry for this variant (Variation ID: 557335). For these reasons, this variant has been classified as Pathogenic.

Counsyl
Classification: Likely pathogenic for Propionic acidemia. Last evaluated: 2018-03-16. Review status: no assertion criteria provided. Collection method: clinical testing. Allele origin: unknown. Not counted in ClinVar's aggregate classification.

Literature cited by the submitters: PubMed 27243974 (cited by 3 submitters); PubMed 15464417 (cited by Labcorp Genetics (formerly Invitae), Labcorp).

NM_000532.5(PCCB):c.1260dup (p.Glu421Ter)

Gene: PCCB (propionyl-CoA carboxylase subunit beta; plus strand). Cytogenetic location: 3q22.3.
Variant type: Duplication.
Coding change: c.1260dup on transcript NM_000532.5 (MANE Select); coding-DNA position 1260, one base duplicated (T; older notation c.1260dupT).
Protein change: p.Glu421Ter; replaces glutamic acid 421 with a stop codon.
Molecular consequence: nonsense.
Genome position (GRCh38, 1-based): chr3:136,327,216, T duplicated. VCF-style (leftmost placement, unchanged base first): chr3-136327215-C-CT. GRCh37 (hg19) VCF-style: chr3-136046057-C-CT.
Other names: c.1260dup (NM_000532.4); c.1260dupT (NM_000532.4); c.1320dup, p.Glu441Ter (NM_001178014.2); short protein forms E421*, E441*.
Identifiers: ClinVar variation 557335 (VCV000557335.12), dbSNP rs1553784569, ClinGen allele CA658823086.